The following is an entry in ClinVar:

ClinVar aggregate classification (germline): Uncertain significance (1 of 4 stars; one submission).

Submission:

ARUP Laboratories, Molecular Genetics and Genomics, ARUP Laboratories
Classification: Uncertain significance. Last evaluated: 2025-07-24. Review status: criteria provided, single submitter. Criteria: ARUP Molecular Germline Variant Investigation Process 2024. Collection method: clinical testing. Allele origin: germline.
Comment: The DNMT3B c.384G>C; p.Gln128His variant, to our knowledge, is not reported in the medical literature or gene specific databases. This variant is also absent from the Genome Aggregation Database (v2.1.1), indicating it is not a common polymorphism. Computational analyses are uncertain whether this variant is neutral or deleterious (REVEL: 0.379). Due to limited information, the clinical significance of this variant is uncertain at this time.

NM_006892.4(DNMT3B):c.384G>C (p.Gln128His)

Gene: DNMT3B (DNA methyltransferase 3 beta; plus strand). Cytogenetic location: 20q11.21.
Variant type: single nucleotide variant.
Coding change: c.384G>C on transcript NM_006892.4 (MANE Select); coding-DNA position 384, G replaced by C.
Protein change: p.Gln128His; replaces glutamine 128 with histidine.
Molecular consequence: missense variant. On other transcripts: intron variant (8).
Genome position (GRCh38, 1-based): chr20:32,786,579, G>C. VCF-style: chr20-32786579-G-C. GRCh37 (hg19) VCF-style: chr20-31374385-G-C.
Other names: c.384G>C, p.Gln128His (NM_001424351.1, NM_001424353.1, NM_001424355.1 and 2 more transcripts); c.420G>C, p.Gln140His (NM_001424359.1, NM_175850.3); c.307-651G>C (NM_001424352.1, NM_001424356.1, NM_001424358.1 and 3 more transcripts); c.205-651G>C (NM_001207056.2); c.343-651G>C (NM_001424360.1); short protein forms Q128H, Q140H.
Identifiers: ClinVar variation 4685980 (VCV004685980.1).